The following is an entry in ClinVar:

ClinVar aggregate classification (germline): Conflicting classifications of pathogenicity. Review status: criteria provided, conflicting classifications (1 of 4 stars). 7 submissions from 7 submitters: Uncertain significance (5); Likely benign (1). 1 of the submissions does not count toward it. Last evaluated 2025-10-03.

Conditions:
Hereditary breast ovarian cancer syndrome. Also called: Breast and ovarian cancer; Hereditary breast and ovarian cancer; Hereditary breast and ovarian cancer syndrome; BRCA1- and BRCA2-Associated Hereditary Breast and Ovarian Cancer; Hereditary breast and ovarian cancer syndrome (HBOC); Hereditary breast and/or ovarian cancer syndrome. Identifiers: Orphanet 145, MedGen C0677776, MeSH D061325, MONDO:0003582. Disease mechanism: loss of function.
Hereditary cancer-predisposing syndrome. Also called: Tumor predisposition; Hereditary Cancer Syndrome; Neoplastic Syndromes, Hereditary; Hereditary neoplastic syndrome. Identifiers: Orphanet 140162, MedGen C0027672, MeSH D009386, MONDO:0015356.
Breast-ovarian cancer, familial, susceptibility to, 2 (BROVCA2). Also called: BRCA2 Hereditary Breast and Ovarian Cancer. Identifiers: Orphanet 145, MedGen C2675520, MONDO:0012933, OMIM 612555. Disease mechanism: loss of function.

Allele frequency attached by ClinVar (database versions not stated): gnomAD exomes below 0.00001; ExAC 0.00001; gnomAD 0.00001; TOPMed 0.00001.
gnomAD v4.1: 2 of 1,613,570 alleles (0.00012%); highest among the groups gnomAD compares: Non-Finnish European, 0.00017%; no homozygotes.

Submissions (7):

Women's Health and Genetics/Laboratory Corporation of America, LabCorp
Classification: Uncertain significance. Last evaluated: 2025-10-03. Review status: criteria provided, single submitter. Criteria: LabCorp Variant Classification Summary - May 2015. Collection method: clinical testing. Allele origin: germline.
Comment: Variant summary: BRCA2 c.2981C>T (p.Ala994Val) results in a non-conservative amino acid change in the encoded protein sequence. Algorithms developed to predict the effect of missense changes on protein structure and function are either unavailable or do not agree on the potential impact of this missense change. The variant allele was found at a frequency of 4e-06 in 250508 control chromosomes. The available data on variant occurrences in the general population are insufficient to allow any conclusion about variant significance. c.2981C>T has been observed in at least one individual affected with ovarian cancer (e.g. Incorvaia_2020, Fanale_2021). These report(s) do not provide unequivocal conclusions about association of the variant with BRCA2-related cancers. To our knowledge, no experimental evidence demonstrating an impact on protein function has been reported. The following publications have been ascertained in the context of this evaluation (PMID: 34178674, 32380732). ClinVar contains an entry for this variant (Variation ID: 91793). Based on the evidence outlined above, the variant was classified as uncertain significance.

Color Diagnostics, LLC DBA Color Health
Classification: Uncertain significance for Hereditary cancer-predisposing syndrome. Last evaluated: 2024-12-23. Review status: criteria provided, single submitter. Criteria: ACMG Guidelines, 2015. Collection method: clinical testing. Allele origin: germline.
Comment: This missense variant replaces alanine with valine at codon 994 of the BRCA2 protein. Computational prediction suggests that this variant may not impact protein structure and function. To our knowledge, functional studies have not been reported for this variant. This variant has not been reported in individuals affected with BRCA2-related disorders in the literature. This variant has been identified in 1/250508 chromosomes in the general population by the Genome Aggregation Database (gnomAD). The available evidence is insufficient to determine the role of this variant in disease conclusively. Therefore, this variant is classified as a Variant of Uncertain Significance.

University of Washington Department of Laboratory Medicine, University of Washington
Classification: Likely benign for Hereditary cancer-predisposing syndrome. Last evaluated: 2023-03-23. Review status: criteria provided, single submitter. Criteria: Dines et al. (Genet Med. 2020). Collection method: curation. Allele origin: germline.
Comment: Missense variant in a coldspot region where missense variants are very unlikely to be pathogenic (PMID:31911673).

BRCA2 exon 11 coldspot. Reclassification based on statistical prior probability.

Labcorp Genetics (formerly Invitae), Labcorp
Classification: Uncertain significance for Hereditary breast ovarian cancer syndrome. Last evaluated: 2019-12-27. Review status: criteria provided, single submitter. Criteria: Invitae Variant Classification Sherloc (09022015). Collection method: clinical testing. Allele origin: germline.
Comment: This sequence change replaces alanine with valine at codon 994 of the BRCA2 protein (p.Ala994Val). The alanine residue is weakly conserved and there is a small physicochemical difference between alanine and valine. This variant is present in population databases (rs398122758, ExAC 0.002%). This variant has not been reported in the literature in individuals with BRCA2-related conditions. ClinVar contains an entry for this variant (Variation ID: 91793). Algorithms developed to predict the effect of missense changes on protein structure and function are either unavailable or do not agree on the potential impact of this missense change (SIFT: "Deleterious"; PolyPhen-2: "Benign"; Align-GVGD: "Class C0"). In summary, the available evidence is currently insufficient to determine the role of this variant in disease. Therefore, it has been classified as a Variant of Uncertain Significance.

GeneDx
Classification: Uncertain significance. Last evaluated: 2017-03-29. Review status: criteria provided, single submitter. Criteria: GeneDx Variant Classification (06012015). Collection method: clinical testing. Allele origin: germline. Affected: yes.
Comment: This variant is denoted BRCA2 c.2981C>T at the cDNA level, p.Ala994Val (A994V) at the protein level, and results in the change of an Alanine to a Valine (GCA>GTA). Using alternate nomenclature, this variant would be defined as BRCA2 3209C>T. This variant was observed two patients with serous ovarian cancer (Li 2013). BRCA2 Ala994Val was not observed at a significant frequency in large population cohorts (NHLBI Exome Sequencing Project, The 1000 Genomes Consortium 2015, Lek 2016). Since Alanine and Valine share similar properties, this is considered a conservative amino acid substitution. BRCA2 Ala994Val occurs at a position that is not conserved and is not located in a known functional domain. In silico analyses are inconsistent regarding the effect this variant may have on protein structure and function. Based on currently available evidence, it is unclear whether BRCA2 Ala994Val is a pathogenic or benign variant. We consider it to be a variant of uncertain significance.

Ambry Genetics
Classification: Uncertain significance for Hereditary cancer-predisposing syndrome. Last evaluated: 2014-10-07. Review status: criteria provided, single submitter. Criteria: Ambry Variant Classification Scheme 2023. Collection method: clinical testing. Allele origin: germline.
Comment: The p.A994V variant (also known as c.2981C>T or 3209C>T), located in coding exon 10 of the BRCA2 gene, results from a C to T substitution at nucleotide position 2981. The alanine at codon 994 is replaced by valine, an amino acid with similar properties. This variant was not reported in population based cohorts in the following databases: Database of Single Nucleotide Polymorphisms (dbSNP), NHLBI Exome Sequencing Project (ESP), and 1000 Genomes Project. In the ESP, this variant was not observed in 6497 samples (12994 alleles) with coverage at this position. To date, this alteration has been detected with an allele frequency of approximately 0.002% (greater than 64000 alleles tested) in our clinical cohort. This amino acid position is poorly conserved in available vertebrate species. In addition, this alteration is predicted to be benign yet deleterious by PolyPhen and SIFT in silico analyses, respectively. Since supporting evidence is limited at this time, the clinical significance of p.A994V remains unclear.

Sharing Clinical Reports Project (SCRP)
Classification: Uncertain significance for Breast-ovarian cancer, familial 2. Last evaluated: 2012-05-01. Review status: no assertion criteria provided. Collection method: clinical testing. Allele origin: germline. Not counted in ClinVar's aggregate classification.

Literature cited by the submitters: PubMed 32380732 (cited by Women's Health and Genetics/Laboratory Corporation of America, LabCorp); PubMed 34178674 (cited by Women's Health and Genetics/Laboratory Corporation of America, LabCorp).

NM_000059.4(BRCA2):c.2981C>T (p.Ala994Val)

Gene: BRCA2 (BRCA2 DNA repair associated; plus strand). Cytogenetic location: 13q13.1.
Variant type: single nucleotide variant.
Coding change: c.2981C>T on transcript NM_000059.4 (MANE Select); coding-DNA position 2981, C replaced by T.
Protein change: p.Ala994Val; replaces alanine 994 with valine.
Molecular consequence: missense variant.
Genome position (GRCh38, 1-based): chr13:32,337,336, C>T. VCF-style: chr13-32337336-C-T. GRCh37 (hg19) VCF-style: chr13-32911473-C-T.
Other names: p.A994V:GCA>GTA; 3209C>T; short protein forms A994V.
Identifiers: ClinVar variation 91793 (VCV000091793.20), dbSNP rs398122758, ClinGen allele CA016957.